The following is an entry in ClinVar:

NM_000553.6(WRN):c.15dup (p.Leu6fs)

Gene: WRN (WRN RecQ like helicase; plus strand). Cytogenetic location: 8p12.
Variant type: Duplication.
Coding change: c.15dup on transcript NM_000553.6 (MANE Select); coding-DNA position 15, one base duplicated (A; older notation c.15dupA).
Protein change: p.Leu6fs; shifts the reading frame from leucine 6.
Molecular consequence: frameshift variant.
Genome position (GRCh38, 1-based): chr8:31,058,462, A duplicated; the last of 8 consecutive A bases (chr8:31,058,455-31,058,462); duplicating any one gives the same sequence. VCF-style (leftmost placement, unchanged base first): chr8-31058454-G-GA. GRCh37 (hg19) VCF-style: chr8-30915970-G-GA.
Other names: short protein forms L6fs.
Identifiers: ClinVar variation 1070898 (VCV001070898.5), dbSNP rs878854133, ClinGen allele CA580993599.

ClinVar aggregate classification (germline): Pathogenic (1 of 4 stars; one submission).

Conditions:
Werner syndrome (WRN). Identifiers: Orphanet 902, MedGen C0043119, MONDO:0010196, OMIM 277700.

Submission:

Labcorp Genetics (formerly Invitae), Labcorp
Classification: Pathogenic for Werner syndrome. Last evaluated: 2024-09-06. Review status: criteria provided, single submitter. Criteria: Invitae Variant Classification Sherloc (09022015). Collection method: clinical testing. Allele origin: germline.
Comment: This sequence change creates a premature translational stop signal (p.Leu6Ilefs*12) in the WRN gene. It is expected to result in an absent or disrupted protein product. Loss-of-function variants in WRN are known to be pathogenic (PMID: 16673358). The frequency data for this variant in the population databases is considered unreliable, as metrics indicate poor data quality at this position in the gnomAD database. This variant has not been reported in the literature in individuals affected with WRN-related conditions. ClinVar contains an entry for this variant (Variation ID: 1070898). For these reasons, this variant has been classified as Pathogenic.

Literature cited by the submitters: PubMed 16673358.